The following is an entry in ClinVar:

NM_006087.4(TUBB4A):c.434C>A (p.Ser145Tyr)

Gene: TUBB4A (tubulin beta 4A class IVa; minus strand). Cytogenetic location: 19p13.3.
Variant type: single nucleotide variant.
Coding change: c.434C>A on transcript NM_006087.4 (MANE Select); coding-DNA position 434, C replaced by A.
Protein change: p.Ser145Tyr; replaces serine 145 with tyrosine.
Molecular consequence: missense variant.
Genome position (GRCh38, 1-based): chr19:6,496,065, G>T on the plus strand (C>A on the coding strand, the complement: TUBB4A is on the minus strand). VCF-style: chr19-6496065-G-T. GRCh37 (hg19) VCF-style: chr19-6496076-G-T.
Other names: c.587C>A, p.Ser196Tyr (NM_001289123.2); c.569C>A, p.Ser190Tyr (NM_001289127.2); c.434C>A, p.Ser145Tyr (NM_001289129.2); c.218C>A, p.Ser73Tyr (NM_001289130.2, NM_001289131.2); short protein forms S145Y, S190Y, S196Y, S73Y.
Identifiers: ClinVar variation 5031536 (VCV005031536.1).

ClinVar aggregate classification (germline): Uncertain significance (1 of 4 stars; one submission).

Conditions:
Inborn genetic diseases. Identifiers: MedGen C0950123, MeSH D030342.

Submission:

Ambry Genetics
Classification: Uncertain significance for Inborn genetic diseases. Last evaluated: 2026-08-21. Review status: criteria provided, single submitter. Criteria: Ambry Variant Classification Scheme 2023. Collection method: clinical testing. Allele origin: germline.
Comment: The c.434C>A (p.S145Y) alteration is located in exon 4 (coding exon 4) of the TUBB4A gene. This alteration results from a C to A substitution at nucleotide position 434, causing the serine (S) at amino acid position 145 to be replaced by a tyrosine (Y). This variant was not reported in population-based cohorts in the Genome Aggregation Database (gnomAD). This amino acid position is highly conserved in available vertebrate species. This missense variant is located in a region that has a low rate of benign missense variation (Lek, 2016; Firth, 2009). This alteration is predicted to be deleterious by in silico analysis. Based on insufficient or conflicting evidence, the clinical significance of this alteration remains unclear.